The following is an entry in ClinVar:

NM_001330260.2(SCN8A):c.3404G>C (p.Ser1135Thr)

Gene: SCN8A (sodium voltage-gated channel alpha subunit 8; plus strand). Cytogenetic location: 12q13.13.
Variant type: single nucleotide variant.
Coding change: c.3404G>C on transcript NM_001330260.2 (MANE Select); coding-DNA position 3404, G replaced by C.
Protein change: p.Ser1135Thr; replaces serine 1135 with threonine.
Molecular consequence: missense variant.
Genome position (GRCh38, 1-based): chr12:51,769,899, G>C. VCF-style: chr12-51769899-G-C. GRCh37 (hg19) VCF-style: chr12-52163683-G-C.
Other names: c.3404G>C, p.Ser1135Thr (NM_001177984.3, NM_001369788.1, NM_014191.4); short protein forms S1135T.
Identifiers: ClinVar variation 4761730 (VCV004761730.1).

ClinVar aggregate classification (germline): Uncertain significance (1 of 4 stars; one submission).

Conditions:
Early-infantile DEE. Also called: Early infantile epileptic encephalopathy with suppression bursts; Early infantile epileptic encephalopathy; Ohtahara syndrome. Identifiers: Orphanet 1934, MedGen C0393706, MONDO:0800491.

Submission:

Labcorp Genetics (formerly Invitae), Labcorp
Classification: Uncertain significance for Early-infantile DEE. Last evaluated: 2026-01-05. Review status: criteria provided, single submitter. Criteria: Invitae Variant Classification Sherloc (09022015). Collection method: clinical testing. Allele origin: germline.
Comment: This sequence change replaces serine, which is neutral and polar, with threonine, which is neutral and polar, at codon 1135 of the SCN8A protein (p.Ser1135Thr). This variant is not present in population databases (gnomAD no frequency). This variant has not been reported in the literature in individuals affected with SCN8A-related conditions. Invitae Evidence Modeling of protein sequence and biophysical properties (such as structural, functional, and spatial information, amino acid conservation, physicochemical variation, residue mobility, and thermodynamic stability) has been performed for this missense variant. However, the output from this modeling did not meet the statistical confidence thresholds required to predict the impact of this variant on SCN8A protein function. In summary, the available evidence is currently insufficient to determine the role of this variant in disease. Therefore, it has been classified as a Variant of Uncertain Significance.